The following is an entry in ClinVar:

NM_001165963.4(SCN1A):c.4064T>C (p.Leu1355Pro)

Genes: SCN1A (sodium voltage-gated channel alpha subunit 1; minus strand), LOC102724058 (uncharacterized LOC102724058; plus strand). Cytogenetic location: 2q24.3.
Variant type: single nucleotide variant.
Coding change: c.4064T>C on transcript NM_001165963.4 (MANE Select); coding-DNA position 4064, T replaced by C.
Protein change: p.Leu1355Pro; replaces leucine 1355 with proline.
Molecular consequence: missense variant. On other transcripts: non-coding transcript variant (1).
Genome position (GRCh38, 1-based): chr2:166,002,692, A>G on the plus strand (T>C on the coding strand, the complement: SCN1A is on the minus strand). VCF-style: chr2-166002692-A-G. GRCh37 (hg19) VCF-style: chr2-166859202-A-G.
Other names: c.3980T>C, p.Leu1327Pro (NM_001165964.3, NM_001353957.2, NM_001353958.2); c.4064T>C, p.Leu1355Pro (NM_001202435.3, NM_001353948.2); c.4031T>C, p.Leu1344Pro (NM_001353949.2, NM_001353950.2, NM_001353951.2 and 2 more transcripts); c.4028T>C, p.Leu1343Pro (NM_001353954.2, NM_001353955.2); c.3977T>C, p.Leu1326Pro (NM_001353960.2); c.1622T>C, p.Leu541Pro (NM_001353961.2); short protein forms L1344P, L1355P, L541P, L1326P, L1343P, L1327P.
Identifiers: ClinVar variation 68627 (VCV000068627.2), dbSNP rs121918776, ClinGen allele CA285156.

ClinVar aggregate classification (germline): Likely pathogenic. Review status: criteria provided, single submitter (1 of 4 stars). 2 submissions from 2 submitters: Likely pathogenic (1). 1 of the submissions does not count toward it. Last evaluated 2018-02-26.

Conditions:
SCN1A-related disorder. Also called: SCN1A-related conditions; SCN1A-related condition; SCN1A-related disorders.
Severe myoclonic epilepsy in infancy (DRVT). Also called: SEVERE MYOCLONIC EPILEPSY OF INFANCY; Epileptic encephalopathy, early infantile, 6 (Dravet syndrome); DEVELOPMENTAL AND EPILEPTIC ENCEPHALOPATHY 6A; Dravet syndrome; Severe Myoclonic Epilepsy in Infancy (SMEI). Identifiers: Orphanet 33069, MedGen C0751122, MONDO:0100135, OMIM 607208.

Submissions (2):

Blueprint Genetics
Classification: Likely pathogenic for SCN1A-related disorders. Last evaluated: 2018-02-26. Review status: criteria provided, single submitter. Criteria: ACMG Guidelines, 2015. Collection method: clinical testing. Allele origin: germline. Affected: yes. Observed: 1 variant allele.

UniProtKB/Swiss-Prot
No classification provided. Condition: Severe myoclonic epilepsy in infancy. Review status: no classification provided. Collection method: not provided. Allele origin: not provided. Not counted in ClinVar's aggregate classification.
Comment: Variants reported as p.Leu1345Pro in PubMed 14738421